The following is an entry in ClinVar:

NM_024675.4(PALB2):c.1424C>G (p.Ser475Ter)

Gene: PALB2 (partner and localizer of BRCA2; minus strand). Cytogenetic location: 16p12.2.
Variant type: single nucleotide variant.
Coding change: c.1424C>G on transcript NM_024675.4 (MANE Select); coding-DNA position 1424, C replaced by G.
Protein change: p.Ser475Ter; replaces serine 475 with a stop codon.
Molecular consequence: nonsense.
Genome position (GRCh38, 1-based): chr16:23,635,122, G>C on the plus strand (C>G on the coding strand, the complement: PALB2 is on the minus strand). VCF-style: chr16-23635122-G-C. GRCh37 (hg19) VCF-style: chr16-23646443-G-C.
Other names: short protein forms S475*.
Identifiers: ClinVar variation 265326 (VCV000265326.17), dbSNP rs886039479, ClinGen allele CA10588611.

ClinVar aggregate classification (germline): Pathogenic/Likely pathogenic. Review status: criteria provided, multiple submitters, no conflicts (2 of 4 stars). 4 submissions from 4 submitters: Pathogenic (3); Likely pathogenic (1). Last evaluated 2025-04-02.

Conditions:
Familial cancer of breast. Also called: hereditary breast carcinoma; BREAST CANCER, FAMILIAL; Hereditary breast cancer. Identifiers: Orphanet 227535, MedGen C0346153, MONDO:0016419, OMIM 114480. Disease mechanism: loss of function.
Hereditary cancer-predisposing syndrome. Also called: Neoplastic Syndromes, Hereditary; Hereditary neoplastic syndrome; Hereditary Cancer Syndrome; Tumor predisposition. Identifiers: Orphanet 140162, MedGen C0027672, MeSH D009386, MONDO:0015356.

Submissions (4):

Ambry Genetics
Classification: Pathogenic for Hereditary cancer-predisposing syndrome. Last evaluated: 2025-04-02. Review status: criteria provided, single submitter. Criteria: Ambry Variant Classification Scheme 2023. Collection method: clinical testing. Allele origin: germline.
Comment: The p.S475* pathogenic mutation (also known as c.1424C>G), located in coding exon 4 of the PALB2 gene, results from a C to G substitution at nucleotide position 1424. This changes the amino acid from a serine to a stop codon within coding exon 4. This variant is considered to be rare based on population cohorts in the Genome Aggregation Database (gnomAD). This alteration is expected to result in loss of function by premature protein truncation or nonsense-mediated mRNA decay. As such, this alteration is interpreted as a disease-causing mutation.

Labcorp Genetics (formerly Invitae), Labcorp
Classification: Pathogenic for Familial cancer of breast. Last evaluated: 2024-12-17. Review status: criteria provided, single submitter. Criteria: Invitae Variant Classification Sherloc (09022015). Collection method: clinical testing. Allele origin: germline.
Comment: This sequence change creates a premature translational stop signal (p.Ser475*) in the PALB2 gene. It is expected to result in an absent or disrupted protein product. Loss-of-function variants in PALB2 are known to be pathogenic (PMID: 17200668, 17200671, 17200672, 24136930, 25099575). This variant is not present in population databases (gnomAD no frequency). This variant has not been reported in the literature in individuals affected with PALB2-related conditions. ClinVar contains an entry for this variant (Variation ID: 265326). For these reasons, this variant has been classified as Pathogenic.

Myriad Genetics, Inc.
Classification: Pathogenic for Familial cancer of breast. Last evaluated: 2023-09-08. Review status: criteria provided, single submitter. Criteria: Myriad Autosomal Dominant, Autosomal Recessive and X-Linked Classification Criteria (2023). Collection method: clinical testing. Allele origin: unknown.
Comment: This variant is considered pathogenic. This variant creates a termination codon and is predicted to result in premature protein truncation.

GeneDx
Classification: Likely pathogenic. Last evaluated: 2016-06-14. Review status: criteria provided, single submitter. Criteria: GeneDx Variant Classification (06012015). Collection method: clinical testing. Allele origin: germline. Affected: yes.
Comment: This variant is denoted PALB2 c.1424C>G at the cDNA level and p.Ser475Ter (S475X) at the protein level. The substitution creates a nonsense variant, which changes a Serine to a premature stop codon (TCA>TGA), and is predicted to cause loss of normal protein function through either protein truncation or nonsense-mediated mRNA decay. Although this variant has not, to our knowledge, been reported in the literature, it is considered likely pathogenic.

Literature cited by the submitters: PubMed 17200668 (cited by Labcorp Genetics (formerly Invitae), Labcorp); PubMed 17200671 (cited by Labcorp Genetics (formerly Invitae), Labcorp); PubMed 17200672 (cited by Labcorp Genetics (formerly Invitae), Labcorp); PubMed 24136930 (cited by Labcorp Genetics (formerly Invitae), Labcorp); PubMed 25099575 (cited by Labcorp Genetics (formerly Invitae), Labcorp).